The following is an entry in ClinVar:

NM_001211.6(BUB1B):c.76A>C (p.Lys26Gln)

Gene: BUB1B (BUB1 mitotic checkpoint serine/threonine kinase B; plus strand). Cytogenetic location: 15q15.1.
Variant type: single nucleotide variant.
Coding change: c.76A>C on transcript NM_001211.6 (MANE Select); coding-DNA position 76, A replaced by C.
Protein change: p.Lys26Gln; replaces lysine 26 with glutamine.
Molecular consequence: missense variant.
Genome position (GRCh38, 1-based): chr15:40,165,093, A>C. VCF-style: chr15-40165093-A-C. GRCh37 (hg19) VCF-style: chr15-40457294-A-C.
Other names: short protein forms K26Q.
Identifiers: ClinVar variation 4776233 (VCV004776233.1).

ClinVar aggregate classification (germline): Uncertain significance (1 of 4 stars; one submission).

Conditions:
Mosaic variegated aneuploidy syndrome 1 (MVA1). Also called: Warburton-Anyane-Yeboa syndrome. Identifiers: Orphanet 1052, MedGen C1850343, MONDO:0009759, OMIM 257300.

gnomAD v4.1: 1 of 1,614,216 alleles (0.000062%); highest among the groups gnomAD compares: Non-Finnish European, 0.000085%; no homozygotes.

Submission:

Labcorp Genetics (formerly Invitae), Labcorp
Classification: Uncertain significance for Mosaic variegated aneuploidy syndrome 1. Last evaluated: 2025-05-23. Review status: criteria provided, single submitter. Criteria: Invitae Variant Classification Sherloc (09022015). Collection method: clinical testing. Allele origin: germline.
Comment: This sequence change replaces lysine, which is basic and polar, with glutamine, which is neutral and polar, at codon 26 of the BUB1B protein (p.Lys26Gln). This variant is not present in population databases (gnomAD no frequency). This variant has not been reported in the literature in individuals affected with BUB1B-related conditions. An algorithm developed to predict the effect of missense changes on protein structure and function (PolyPhen-2) suggests that this variant is likely to be disruptive. In summary, the available evidence is currently insufficient to determine the role of this variant in disease. Therefore, it has been classified as a Variant of Uncertain Significance.